The following is an entry in ClinVar:

NM_001042492.3(NF1):c.4080A>G (p.Gln1360=)

Gene: NF1 (neurofibromin 1; plus strand). Cytogenetic location: 17q11.2.
Variant type: single nucleotide variant.
Coding change: c.4080A>G on transcript NM_001042492.3 (MANE Select); coding-DNA position 4080, A replaced by G.
Protein change: p.Gln1360=; no amino-acid change (glutamine 1360 retained).
Molecular consequence: synonymous variant.
Genome position (GRCh38, 1-based): chr17:31,249,089, A>G. VCF-style: chr17-31249089-A-G. GRCh37 (hg19) VCF-style: chr17-29576107-A-G.
Other names: c.4080A>G, p.Gln1360= (NM_000267.4).
Identifiers: ClinVar variation 1737627 (VCV001737627.6), dbSNP rs769845648, ClinGen allele CA8486322.

ClinVar aggregate classification (germline): Benign/Likely benign. Review status: criteria provided, multiple submitters, no conflicts (2 of 4 stars). 3 submissions from 3 submitters: Benign (1); Likely benign (2). Last evaluated 2026-05-19.

Conditions:
Neurofibromatosis, type 1 (NF1). Also called: VON RECKLINGHAUSEN DISEASE; NEUROFIBROMATOSIS, TYPE I, SOMATIC; Neurofibromatosis, type I; Peripheral type neurofibromatosis. Identifiers: Orphanet 636, MedGen C0027831, MONDO:0018975, OMIM 162200. Disease mechanism: loss of function.
Cardiovascular phenotype. Identifiers: MedGen CN230736.
Hereditary cancer-predisposing syndrome. Also called: Neoplastic Syndromes, Hereditary; Tumor predisposition; Hereditary neoplastic syndrome; Hereditary Cancer Syndrome. Identifiers: Orphanet 140162, MedGen C0027672, MeSH D009386, MONDO:0015356.

Allele frequency attached by ClinVar (database versions not stated): TOPMed below 0.00001; ExAC 0.00001.
gnomAD v4.1: 2 of 1,614,004 alleles (0.00012%); highest among the groups gnomAD compares: South Asian, 0.0011%; no homozygotes.

Submissions (3):

Myriad Genetics, Inc.
Classification: Benign for Neurofibromatosis, type 1. Last evaluated: 2026-05-19. Review status: criteria provided, single submitter. Criteria: Myriad Autosomal Dominant, Autosomal Recessive and X-Linked Classification Criteria (2023). Collection method: clinical testing. Allele origin: unknown.
Comment: This variant is considered benign. This variant is a silent/synonymous amino acid change and it is not expected to impact splicing.

Labcorp Genetics (formerly Invitae), Labcorp
Classification: Likely benign for Neurofibromatosis, type 1. Last evaluated: 2023-12-05. Review status: criteria provided, single submitter. Criteria: Invitae Variant Classification Sherloc (09022015). Collection method: clinical testing. Allele origin: germline.

Ambry Genetics
Classification: Likely benign for Cardiovascular phenotype; Hereditary cancer-predisposing syndrome. Last evaluated: 2021-12-25. Review status: criteria provided, single submitter. Criteria: Ambry Variant Classification Scheme 2023. Collection method: clinical testing. Allele origin: germline.